The following is an entry in ClinVar:

ClinVar aggregate classification (germline): Uncertain significance. Review status: criteria provided, multiple submitters, no conflicts (2 of 4 stars). 2 submissions from 2 submitters: Uncertain significance (2). Last evaluated 2022-09-22.

Allele frequency attached by ClinVar (database versions not stated): gnomAD 0.00001; gnomAD exomes 0.00003.
gnomAD v4.1: 48 of 1,613,948 alleles (0.003%); highest among the groups gnomAD compares: Non-Finnish European, 0.0039%; no homozygotes.

Submissions (2):

Labcorp Genetics (formerly Invitae), Labcorp
Classification: Uncertain significance. Last evaluated: 2022-09-22. Review status: criteria provided, single submitter. Criteria: Invitae Variant Classification Sherloc (09022015). Collection method: clinical testing. Allele origin: germline.
Comment: This sequence change replaces tyrosine, which is neutral and polar, with histidine, which is basic and polar, at codon 313 of the ALPK3 protein (p.Tyr313His). This variant is present in population databases (no rsID available, gnomAD 0.01%). This variant has not been reported in the literature in individuals affected with ALPK3-related conditions. ClinVar contains an entry for this variant (Variation ID: 1343901). Algorithms developed to predict the effect of missense changes on protein structure and function are either unavailable or do not agree on the potential impact of this missense change (SIFT: "Deleterious"; PolyPhen-2: "Probably Damaging"; Align-GVGD: "Class C0"). In summary, the available evidence is currently insufficient to determine the role of this variant in disease. Therefore, it has been classified as a Variant of Uncertain Significance.

GeneDx
Classification: Uncertain significance. Last evaluated: 2021-09-10. Review status: criteria provided, single submitter. Criteria: GeneDx Variant Classification Process June 2021. Collection method: clinical testing. Allele origin: germline. Affected: yes.

NM_020778.5(ALPK3):c.331T>C (p.Tyr111His)

Gene: ALPK3 (alpha kinase 3; plus strand). Cytogenetic location: 15q25.3.
Variant type: single nucleotide variant.
Coding change: c.331T>C on transcript NM_020778.5 (MANE Select); coding-DNA position 331, T replaced by C.
Protein change: p.Tyr111His; replaces tyrosine 111 with histidine.
Molecular consequence: missense variant.
Genome position (GRCh38, 1-based): chr15:84,839,006, T>C. VCF-style: chr15-84839006-T-C. GRCh37 (hg19) VCF-style: chr15-85382237-T-C.
Other names: short protein forms Y111H.
Identifiers: ClinVar variation 1343901 (VCV001343901.9), dbSNP rs1040012286, ClinGen allele CA273664289.